The following is an entry in ClinVar:

ClinVar aggregate classification (germline): Uncertain significance. Review status: criteria provided, multiple submitters, no conflicts (2 of 4 stars). 2 submissions from 2 submitters: Uncertain significance (2). Last evaluated 2024-11-15.

Conditions:
Inborn genetic diseases. Identifiers: MedGen C0950123, MeSH D030342.

Allele frequency attached by ClinVar (database versions not stated): TOPMed below 0.00001; gnomAD 0.00001; gnomAD exomes 0.00001; ExAC 0.00002.

Submissions (2):

Ambry Genetics
Classification: Uncertain significance for Inborn genetic diseases. Last evaluated: 2024-11-15. Review status: criteria provided, single submitter. Criteria: Ambry Variant Classification Scheme 2023. Collection method: clinical testing. Allele origin: germline.

CeGaT Center for Human Genetics Tuebingen
Classification: Uncertain significance. Last evaluated: 2022-05-01. Review status: criteria provided, single submitter. Criteria: CeGaT Center For Human Genetics Tuebingen Variant Classification Criteria Version 2. Collection method: clinical testing. Allele origin: germline. Affected: yes. Observed: 1 variant allele.
Comment: PHKA2: PP3

NM_000292.3(PHKA2):c.382G>A (p.Asp128Asn)

Gene: PHKA2 (phosphorylase kinase regulatory subunit alpha 2; minus strand). Cytogenetic location: Xp22.13.
Variant type: single nucleotide variant.
Coding change: c.382G>A on transcript NM_000292.3 (MANE Select); coding-DNA position 382, G replaced by A.
Protein change: p.Asp128Asn; replaces aspartic acid 128 with asparagine.
Molecular consequence: missense variant.
Genome position (GRCh38, 1-based): chrX:18,951,176, C>T on the plus strand (G>A on the coding strand, the complement: PHKA2 is on the minus strand). VCF-style: chrX-18951176-C-T. GRCh37 (hg19) VCF-style: chrX-18969294-C-T.
Other names: c.382G>A (NM_000292.2); short protein forms D128N.
Identifiers: ClinVar variation 2660117 (VCV002660117.25), dbSNP rs747820385, ClinGen allele CA10362121.